The following is an entry in ClinVar:

NM_005475.3(SH2B3):c.1208T>C (p.Leu403Pro)

Gene: SH2B3 (SH2B adaptor protein 3; plus strand). Cytogenetic location: 12q24.12.
Variant type: single nucleotide variant.
Coding change: c.1208T>C on transcript NM_005475.3 (MANE Select); coding-DNA position 1208, T replaced by C.
Protein change: p.Leu403Pro; replaces leucine 403 with proline.
Molecular consequence: missense variant.
Genome position (GRCh38, 1-based): chr12:111,447,516, T>C. VCF-style: chr12-111447516-T-C. GRCh37 (hg19) VCF-style: chr12-111885320-T-C.
Other names: c.602T>C, p.Leu201Pro (NM_001291424.1); short protein forms L201P, L403P.
Identifiers: ClinVar variation 4864380 (VCV004864380.1).

ClinVar aggregate classification (germline): Uncertain significance (1 of 4 stars; one submission).

Conditions:
Inborn genetic diseases. Identifiers: MedGen C0950123, MeSH D030342.

Submission:

Ambry Genetics
Classification: Uncertain significance for Inborn genetic diseases. Last evaluated: 2026-03-15. Review status: criteria provided, single submitter. Criteria: Ambry Variant Classification Scheme 2023. Collection method: clinical testing. Allele origin: germline.
Comment: The p.L403P variant (also known as c.1208T>C), located in coding exon 5 of the SH2B3 gene, results from a T to C substitution at nucleotide position 1208. The leucine at codon 403 is replaced by proline, an amino acid with similar properties. This amino acid position is conserved. In addition, this alteration is predicted to be deleterious by in silico analysis. Based on the available evidence, the clinical significance of this variant remains unclear.